The following is an entry in ClinVar:

ClinVar aggregate classification (germline): Conflicting classifications of pathogenicity. Review status: criteria provided, conflicting classifications (1 of 4 stars). 7 submissions from 6 submitters: Uncertain significance (1); Benign (1); Likely benign (4). 1 of the submissions does not count toward it. Last evaluated 2026-01-13.

Conditions:
Type 2 collagenopathy. Identifiers: Orphanet 93421, MedGen C2931073, MONDO:0022800.
COL2A1-related disorder. Also called: COL2A1-related condition; COL2A1-related disorders.
Stickler syndrome type 1 (STL1). Also called: COL2A1-Related Stickler Syndrome; STICKLER SYNDROME, MEMBRANOUS VITREOUS TYPE; STICKLER SYNDROME, VITREOUS TYPE 1; ARTHROOPHTHALMOPATHY, HEREDITARY PROGRESSIVE. Identifiers: Orphanet 828, Orphanet 90653, MedGen C2020284, MONDO:0007160, OMIM 108300.

Allele frequency attached by ClinVar (database versions not stated): gnomAD exomes 0.00006 and 0.00013; ExAC 0.00017; ESP Exome Variant Server 0.00031; gnomAD 0.00046 and 0.00050; TOPMed 0.00049; 1000 Genomes Project 30x 0.00078; 1000 Genomes Project 0.00080.
gnomAD v4.1: 162 of 1,614,080 alleles (0.01%); highest among the groups gnomAD compares: African/African-American, 0.18%; 2 homozygotes.

Submissions (7):

Labcorp Genetics (formerly Invitae), Labcorp
Classification: Likely benign. Last evaluated: 2026-01-13. Review status: criteria provided, single submitter. Criteria: Invitae Variant Classification Sherloc (09022015). Collection method: clinical testing. Allele origin: germline.

ARUP Laboratories, Molecular Genetics and Genomics, ARUP Laboratories
Classification: Likely benign. Last evaluated: 2025-02-11. Review status: criteria provided, single submitter. Criteria: ARUP Molecular Germline Variant Investigation Process 2024. Collection method: clinical testing. Allele origin: germline.

Blueprint Genetics
Classification: Likely benign. Last evaluated: 2024-09-13. Review status: criteria provided, single submitter. Criteria: ACMG Guidelines, 2015. Collection method: clinical testing. Allele origin: germline.

GeneDx
Classification: Likely benign. Last evaluated: 2020-09-08. Review status: criteria provided, single submitter. Criteria: GeneDx Variant Classification Process June 2021. Collection method: clinical testing. Allele origin: germline. Affected: yes.

Illumina Laboratory Services, Illumina
Classification: Benign for Type II Collagenopathies. Last evaluated: 2018-01-12. Review status: criteria provided, single submitter. Criteria: ICSL Variant Classification Criteria 13 December 2019. Collection method: clinical testing. Allele origin: germline.
Comment: This variant was observed in the ICSL laboratory as part of a predisposition screen in an ostensibly healthy population. It had not been previously curated by ICSL or reported in the Human Gene Mutation Database (HGMD: prior to June 1st, 2018), and was therefore a candidate for classification through an automated scoring system. Utilizing variant allele frequency, disease prevalence and penetrance estimates, and inheritance mode, an automated score was calculated to assess if this variant is too frequent to cause the disease. Based on the score and internal cut-off values, a variant classified as benign is not then subjected to further curation. The score for this variant resulted in a classification of benign for this disease.

Illumina Laboratory Services, Illumina
Classification: Uncertain significance for Stickler syndrome type 1. Last evaluated: 2018-01-12. Review status: criteria provided, single submitter. Criteria: ICSL Variant Classification Criteria 13 December 2019. Collection method: clinical testing. Allele origin: germline.

PreventionGenetics, part of Exact Sciences
Classification: Likely benign for COL2A1-related condition. Last evaluated: 2019-06-25. Review status: no assertion criteria provided. Collection method: clinical testing. Allele origin: germline. Not counted in ClinVar's aggregate classification.
Comment: This variant is classified as likely benign based on ACMG/AMP sequence variant interpretation guidelines (Richards et al. 2015 PMID: 25741868, with internal and published modifications).

NM_001844.5(COL2A1):c.4350C>T (p.Ile1450=)

Gene: COL2A1 (collagen type II alpha 1 chain; minus strand). Cytogenetic location: 12q13.11.
Variant type: single nucleotide variant.
Coding change: c.4350C>T on transcript NM_001844.5 (MANE Select); coding-DNA position 4350, C replaced by T.
Protein change: p.Ile1450=; no amino-acid change (isoleucine 1450 retained).
Molecular consequence: synonymous variant.
Genome position (GRCh38, 1-based): chr12:47,973,521, G>A on the plus strand (C>T on the coding strand, the complement: COL2A1 is on the minus strand). VCF-style: chr12-47973521-G-A. GRCh37 (hg19) VCF-style: chr12-48367304-G-A.
Other names: c.4143C>T, p.Ile1381= (NM_033150.3).
Identifiers: ClinVar variation 882673 (VCV000882673.27), dbSNP rs137948104, ClinGen allele CA6534475.